The following is an entry in ClinVar:

NM_000548.5(TSC2):c.3510A>T (p.Ser1170=)

Gene: TSC2 (TSC complex subunit 2; plus strand). Cytogenetic location: 16p13.3.
Variant type: single nucleotide variant.
Coding change: c.3510A>T on transcript NM_000548.5 (MANE Select); coding-DNA position 3510, A replaced by T.
Protein change: p.Ser1170=; no amino-acid change (serine 1170 retained).
Molecular consequence: synonymous variant. On other transcripts: non-coding transcript variant (5).
Genome position (GRCh38, 1-based): chr16:2,080,277, A>T. VCF-style: chr16-2080277-A-T. GRCh37 (hg19) VCF-style: chr16-2130278-A-T.
Other names: c.3378A>T, p.Ser1126= (NM_001077183.3, NM_001370404.1, NM_001406665.1); c.2034A>T, p.Ser678= (NM_001406697.1, NM_001406691.1, NM_001406695.1 and 1 more transcripts); c.1776A>T, p.Ser592= (NM_001406698.1); c.3381A>T, p.Ser1127= (NM_021055.3, NM_001363528.2, NM_001370405.1); c.3510A>T, p.Ser1170= (NM_001114382.3); c.3270A>T, p.Ser1090= (NM_001318827.2); c.3234A>T, p.Ser1078= (NM_001318829.2); c.2778A>T, p.Ser926= (NM_001318831.2, NM_001406687.1, NM_001406688.1); and 18 more.
Identifiers: ClinVar variation 3386171 (VCV003386171.1).
Genomic context (GRCh38, chr16:2,080,277, plus strand): 5'-GGGCAGTGCCACTTCTCCAGGACCACGGACTGCACCAGCCGCGAAACCTGAGAAGGCCTC[A>T]GCTGGCACCCGGGTTCCTGTGCAGGAGAAGACGAACCTGGCGGCCTATGTGCCCCTGCTG-3'
Protein context (NP_000539.2, residues 1160-1180): TAPAAKPEKA[Ser1170=]AGTRVPVQEK

ClinVar aggregate classification (germline): Likely benign (1 of 4 stars; one submission).

Conditions:
Tuberous sclerosis syndrome (TSC). Also called: Tuberous Sclerosis Complex; Tuberous sclerosis. Identifiers: Orphanet 805, MedGen C0041341, MONDO:0001734.

gnomAD v4.1: 1 of 1,612,996 alleles (0.000062%); highest among the groups gnomAD compares: Non-Finnish European, 0.000085%; no homozygotes.

Submission:

All of Us Research Program, National Institutes of Health
Classification: Likely benign for Tuberous sclerosis syndrome. Last evaluated: 2024-02-22. Review status: criteria provided, single submitter. Criteria: ACMG Guidelines, 2015. Collection method: clinical testing. Allele origin: germline. Inheritance: Autosomal dominant inheritance. Observed: 1 variant allele, 1 heterozygote.
Comment: This study involves interpretation of variants in research participants for the purpose of population health screening. Participant phenotype was not available at the time of variant classification. Additional details can be found in publication PMID: 35346344, PMCID: PMC8962531